The following is an entry in ClinVar:

NM_001130009.3(GEN1):c.2217del (p.Gly740fs)

Gene: GEN1 (GEN1 structure-specific endonuclease; plus strand). Cytogenetic location: 2p24.2.
Variant type: Deletion.
Coding change: c.2217del on transcript NM_001130009.3 (MANE Select); coding-DNA position 2217, one base deleted (A; older notation c.2217delA).
Protein change: p.Gly740fs; shifts the reading frame from glycine 740.
Molecular consequence: frameshift variant.
Genome position (GRCh38, 1-based): chr2:17,781,429, A deleted; the last of 4 consecutive A bases (chr2:17,781,426-17,781,429); deleting any one gives the same sequence. VCF-style (leftmost placement, unchanged base first): chr2-17781425-TA-T. GRCh37 (hg19) VCF-style: chr2-17962692-TA-T.
Other names: c.2217del, p.Gly740fs (NM_182625.5); short protein forms G740fs.
Identifiers: ClinVar variation 2888175 (VCV002888175.3), dbSNP rs1300447132, ClinGen allele CA531315158.

ClinVar aggregate classification (germline): Uncertain significance (1 of 4 stars; one submission).

Submission:

Labcorp Genetics (formerly Invitae), Labcorp
Classification: Uncertain significance. Last evaluated: 2023-09-26. Review status: criteria provided, single submitter. Criteria: Invitae Variant Classification Sherloc (09022015). Collection method: clinical testing. Allele origin: germline.
Comment: This sequence change creates a premature translational stop signal (p.Gly740Glufs*24) in the GEN1 gene. While this is not anticipated to result in nonsense mediated decay, it is expected to disrupt the last 169 amino acid(s) of the GEN1 protein. The frequency data for this variant in the population databases is considered unreliable, as metrics indicate poor data quality at this position in the gnomAD database. This variant has not been reported in the literature in individuals affected with GEN1-related conditions. In summary, the available evidence is currently insufficient to determine the role of this variant in disease. Therefore, it has been classified as a Variant of Uncertain Significance.